The following is an entry in ClinVar:

NM_000531.6(OTC):c.440A>T (p.Asp147Val)

Gene: OTC (ornithine transcarbamylase; plus strand). Cytogenetic location: Xp11.4.
Variant type: single nucleotide variant.
Coding change: c.440A>T on transcript NM_000531.6 (MANE Select); coding-DNA position 440, A replaced by T.
Protein change: p.Asp147Val; replaces aspartic acid 147 with valine.
Molecular consequence: missense variant.
Genome position (GRCh38, 1-based): chrX:38,401,328, A>T. VCF-style: chrX-38401328-A-T. GRCh37 (hg19) VCF-style: chrX-38260581-A-T.
Other names: c.440A>T, p.Asp147Val (NM_001407092.1); short protein forms D147V.
Identifiers: ClinVar variation 4756811 (VCV004756811.2).

ClinVar aggregate classification (germline): Uncertain significance. Review status: criteria provided, multiple submitters, no conflicts (2 of 4 stars). 2 submissions from 2 submitters: Uncertain significance (2). Last evaluated 2025-06-09.

Conditions:
Ornithine carbamoyltransferase deficiency (OTCD). Also called: ORNITHINE TRANSCARBAMYLASE DEFICIENCY, HYPERAMMONEMIA DUE TO; OTC DEFICIENCY; Ornithine Carbamoyltransferase Deficiency Disease; ORNITHINE TRANSCARBAMYLASE DEFICIENCY. Identifiers: Orphanet 664, MedGen C0268542, MONDO:0010703, OMIM 311250.

gnomAD v4.1: 1 of 1,199,161 alleles (0.000083%); highest among the groups gnomAD compares: Non-Finnish European, 0.00011%; no homozygotes.

Submissions (2):

Color Diagnostics, LLC DBA Color Health
Classification: Uncertain significance for Ornithine carbamoyltransferase deficiency. Last evaluated: 2025-06-09. Review status: criteria provided, single submitter. Criteria: ACMG Guidelines, 2015. Collection method: clinical testing. Allele origin: germline.
Comment: This missense variant replaces aspartic acid with valine at codon 147 of the OTC protein. Computational prediction suggests that this variant may have deleterious impact on protein structure and function. To our knowledge, functional studies have not been reported for this variant. This variant has not been reported in individuals affected with OTC-related disorders in the literature. This variant has been identified in 1/182681 chromosomes in the general population by the Genome Aggregation Database (gnomAD). The available evidence is insufficient to determine the role of this variant in disease conclusively. Therefore, this variant is classified as a Variant of Uncertain Significance.

Blueprint Genetics
Classification: Uncertain significance. Last evaluated: 2023-08-30. Review status: criteria provided, single submitter. Criteria: ACMG Guidelines, 2015. Collection method: clinical testing. Allele origin: germline.